The following is an entry in ClinVar:

NM_015352.2(POFUT1):c.637G>C (p.Val213Leu)

Gene: POFUT1 (protein O-fucosyltransferase 1; plus strand). Cytogenetic location: 20q11.21.
Variant type: single nucleotide variant.
Coding change: c.637G>C on transcript NM_015352.2 (MANE Select); coding-DNA position 637, G replaced by C.
Protein change: p.Val213Leu; replaces valine 213 with leucine.
Molecular consequence: missense variant.
Genome position (GRCh38, 1-based): chr20:32,228,357, G>C. VCF-style: chr20-32228357-G-C. GRCh37 (hg19) VCF-style: chr20-30816160-G-C.
Other names: short protein forms V213L.
Identifiers: ClinVar variation 940614 (VCV000940614.9), dbSNP rs578147902, ClinGen allele CA9807323.

ClinVar aggregate classification (germline): Uncertain significance (1 of 4 stars; one submission).

Conditions:
Dowling-Degos disease 2 (DDD2). Identifiers: Orphanet 79145, MedGen C3809147, MONDO:0014130, OMIM 615327.

Allele frequency attached by ClinVar (database versions not stated): gnomAD exomes below 0.00001; ExAC 0.00001; TOPMed 0.00004; gnomAD 0.00007.

Submission:

Labcorp Genetics (formerly Invitae), Labcorp
Classification: Uncertain significance for Dowling-Degos disease 2. Last evaluated: 2019-08-30. Review status: criteria provided, single submitter. Criteria: Invitae Variant Classification Sherloc (09022015). Collection method: clinical testing. Allele origin: germline.
Comment: This sequence change replaces valine with leucine at codon 213 of the POFUT1 protein (p.Val213Leu). The valine residue is highly conserved and there is a small physicochemical difference between valine and leucine. In summary, the available evidence is currently insufficient to determine the role of this variant in disease. Therefore, it has been classified as a Variant of Uncertain Significance. Algorithms developed to predict the effect of missense changes on protein structure and function are either unavailable or do not agree on the potential impact of this missense change (SIFT: "Tolerated"; PolyPhen-2: "Possibly Damaging"; Align-GVGD: "Class C0"). This variant has not been reported in the literature in individuals with POFUT1-related conditions. This variant is present in population databases (rs578147902, ExAC 0.01%).